The following is an entry in ClinVar:

NM_005120.3(MED12):c.6294G>A (p.Gln2098=)

Gene: MED12 (mediator complex subunit 12; plus strand). Cytogenetic location: Xq13.1.
Variant type: single nucleotide variant.
Coding change: c.6294G>A on transcript NM_005120.3 (MANE Select); coding-DNA position 6294, G replaced by A.
Protein change: p.Gln2098=; no amino-acid change (glutamine 2098 retained).
Molecular consequence: synonymous variant.
Genome position (GRCh38, 1-based): chrX:71,141,256, G>A. VCF-style: chrX-71141256-G-A. GRCh37 (hg19) VCF-style: chrX-70361106-G-A.
Identifiers: ClinVar variation 458825 (VCV000458825.13), dbSNP rs1408739478, ClinGen allele CA516728462.
Genomic context (GRCh38, chrX:71,141,256, plus strand): 5'-TGCTCCTTCTGAAGTATCTTTTGTGTTCTTATAGCAGCAGCAGCAACAGCAACAGCAGCA[G>A]CAGCAGCAGCAGCAACAGCAACAGCAGCAGCAGCAACAGCAACAACAGCAACACCAGCAG-3'
Protein context (NP_005111.2, residues 2088-2108): LRQQQQQQQQ[Gln2098=]QQQQQQQQQQ

ClinVar aggregate classification (germline): Likely benign. Review status: criteria provided, multiple submitters, no conflicts (2 of 4 stars). 2 submissions from 2 submitters: Likely benign (2). Last evaluated 2026-01-01.

Conditions:
FG syndrome (FGS). Identifiers: MedGen C0220769, MONDO:0002010.

Submissions (2):

CeGaT Center for Human Genetics Tuebingen
Classification: Likely benign. Last evaluated: 2026-01-01. Review status: criteria provided, single submitter. Criteria: CeGaT Center For Human Genetics Tuebingen Variant Classification Criteria Version 2. Collection method: clinical testing. Allele origin: germline. Affected: yes. Observed: 1 variant allele.
Comment: MED12: PM2:Supporting, BP4, BP7

Labcorp Genetics (formerly Invitae), Labcorp
Classification: Likely benign for FG syndrome. Last evaluated: 2017-02-22. Review status: criteria provided, single submitter. Criteria: Invitae Variant Classification Sherloc (09022015). Collection method: clinical testing. Allele origin: germline.